The following is an entry in ClinVar:

ClinVar aggregate classification (germline): Uncertain significance (1 of 4 stars; one submission).

Submission:

Ambry Genetics
Classification: Uncertain significance. Last evaluated: 2022-03-12. Review status: criteria provided, single submitter. Criteria: Ambry Variant Classification Scheme 2023. Collection method: clinical testing. Allele origin: germline.
Comment: The p.S730G variant (also known as c.2188A>G), located in coding exon 14 of the POLQ gene, results from an A to G substitution at nucleotide position 2188. The serine at codon 730 is replaced by glycine, an amino acid with similar properties. This amino acid position is conserved. In addition, this alteration is predicted to be tolerated by in silico analysis. Since supporting evidence is limited at this time, the clinical significance of this alteration remains unclear.

NM_199420.4(POLQ):c.2188A>G (p.Ser730Gly)

Gene: POLQ (DNA polymerase theta; minus strand). Cytogenetic location: 3q13.33.
Variant type: single nucleotide variant.
Coding change: c.2188A>G on transcript NM_199420.4 (MANE Select); coding-DNA position 2188, A replaced by G.
Protein change: p.Ser730Gly; replaces serine 730 with glycine.
Molecular consequence: missense variant.
Genome position (GRCh38, 1-based): chr3:121,496,898, T>C on the plus strand (A>G on the coding strand, the complement: POLQ is on the minus strand). VCF-style: chr3-121496898-T-C. GRCh37 (hg19) VCF-style: chr3-121215745-T-C.
Other names: short protein forms S730G.
Identifiers: ClinVar variation 1787363 (VCV001787363.2), dbSNP rs2546793712, ClinGen allele CA354109284.
Genomic context (GRCh38, chr3:121,496,898, plus strand): 5'-ATTGAATCTGCCCACGATTGCATCCATATTTCTGATTTATTTCCCTTAAGGGAACTTCAC[T>C]GATTAAATCTAATAGCACAAGACTGGTGAAAAACCTGGGAATAAATCATCAAAAGCGTGG-3'
Protein context (NP_955452.3, residues 720-740): FTSLVLLDLI[Ser730Gly]EVPLREINQK